The following is an entry in ClinVar:

ClinVar aggregate classification (germline): Uncertain significance (1 of 4 stars; one submission).

Conditions:
Hypomagnesemia, seizures, and impaired intellectual development 2. Also called: Hypomagnesemia, seizures, and intellectual disability 2. Identifiers: MedGen C5193023, MONDO:0020788, OMIM 618314.

gnomAD v4.1: 1 of 1,614,084 alleles (0.000062%); highest among the groups gnomAD compares: Non-Finnish European, 0.000085%; no homozygotes.

Submission:

Dasa
Classification: Uncertain significance for Hypomagnesemia, seizures, and impaired intellectual development 2. Last evaluated: 2025-12-11. Review status: criteria provided, single submitter. Criteria: DASA Assertion Criteria. Collection method: clinical testing. Allele origin: germline.
Comment: NM_000701.8(ATP1A1):c.421A>G (p.Ile141Val) is a missense variant that results in the substitution of isoleucine with valine. This variant is rare in population databases. The currently available literature and clinical evidence are not sufficient to establish a definitive association between this variant and the reported condition. Therefore, this variant is classified as a variant of uncertain significance.

NM_000701.8(ATP1A1):c.421A>G (p.Ile141Val)

Gene: ATP1A1 (ATPase Na+/K+ transporting subunit alpha 1; plus strand). Cytogenetic location: 1p13.1.
Variant type: single nucleotide variant.
Coding change: c.421A>G on transcript NM_000701.8 (MANE Select); coding-DNA position 421, A replaced by G.
Protein change: p.Ile141Val; replaces isoleucine 141 with valine.
Molecular consequence: missense variant.
Genome position (GRCh38, 1-based): chr1:116,388,164, A>G. VCF-style: chr1-116388164-A-G. GRCh37 (hg19) VCF-style: chr1-116930786-A-G.
Other names: c.421A>G, p.Ile141Val (NM_001160233.2); c.328A>G, p.Ile110Val (NM_001160234.2); short protein forms I110V, I141V.
Identifiers: ClinVar variation 4881709 (VCV004881709.2).
Genomic context (GRCh38, chr1:116,388,164, plus strand): 5'-GGCCCTAACTTGTCTTTTCCCTTCCAGCTGTACCTGGGTGTGGTGCTATCAGCCGTTGTA[A>G]TCATAACTGGTTGCTTCTCCTACTATCAAGAAGCTAAAAGTTCAAAGATCATGGAATCCT-3'
Protein context (NP_000692.2, residues 131-151): YLGVVLSAVV[Ile141Val]ITGCFSYYQE